The following is an entry in ClinVar:

ClinVar aggregate classification (germline): Benign/Likely benign. Review status: criteria provided, multiple submitters, no conflicts (2 of 4 stars). 5 submissions from 5 submitters: Benign (2); Likely benign (3). Last evaluated 2025-10-08.

Conditions:
Monogenic diabetes. Identifiers: Orphanet 183625, MedGen C3888631, MONDO:0015967.
Hyperinsulinism-hyperammonemia syndrome (HHF6). Identifiers: Orphanet 35878, MedGen C1847555, MONDO:0011717, OMIM 606762.

Allele frequency attached by ClinVar (database versions not stated): gnomAD 0.00001 and 0.00053; TOPMed 0.00003; gnomAD exomes 0.00228; 1000 Genomes Project 0.00280; 1000 Genomes Project 30x 0.00297; ExAC 0.00371.
gnomAD v4.1: 1,315 of 1,565,594 alleles (0.084%); highest among the groups gnomAD compares: South Asian, 1.4%; 20 homozygotes.

Submissions (5):

Labcorp Genetics (formerly Invitae), Labcorp
Classification: Benign for Hyperinsulinism-hyperammonemia syndrome. Last evaluated: 2025-10-08. Review status: criteria provided, single submitter. Criteria: Invitae Variant Classification Sherloc (09022015). Collection method: clinical testing. Allele origin: germline.

CeGaT Center for Human Genetics Tuebingen
Classification: Likely benign. Last evaluated: 2024-12-01. Review status: criteria provided, single submitter. Criteria: CeGaT Center For Human Genetics Tuebingen Variant Classification Criteria Version 2. Collection method: clinical testing. Allele origin: germline. Affected: yes. Observed: 1 variant allele.
Comment: GLUD1: PP2, PP3, BS1, BS2

GeneDx
Classification: Benign. Last evaluated: 2019-07-22. Review status: criteria provided, single submitter. Criteria: GeneDx Variant Classification Process June 2021. Collection method: clinical testing. Allele origin: germline. Affected: yes.

Personalized Diabetes Medicine Program, University of Maryland School of Medicine
Classification: Likely benign for Monogenic diabetes. Last evaluated: 2017-05-22. Review status: criteria provided, single submitter. Criteria: ACMG Guidelines, 2015. Collection method: research. Allele origin: unknown. Observed: 1 variant allele, 1 heterozygote. Study: Personalized Diabetes Medicine Program.
Comment: ACMG Criteria:PP3 (5 predictors), BP4 (5 predictors), BS2 (31 cases and 36 controls in an online resource)

Illumina Laboratory Services, Illumina
Classification: Likely benign for Hyperinsulinism-hyperammonemia syndrome. Last evaluated: 2017-04-27. Review status: criteria provided, single submitter. Criteria: ICSL Variant Classification Criteria 13 December 2019. Collection method: clinical testing. Allele origin: germline.
Comment: This variant was observed as part of a predisposition screen in an ostensibly healthy population. A literature search was performed for the gene, cDNA change, and amino acid change (where applicable). No publications were found based on this search. Allele frequency data from public databases allowed determination this variant is unlikely to cause disease. Therefore, this variant is classified as likely benign.

NM_005271.5(GLUD1):c.104G>A (p.Gly35Glu)

Genes: GLUD1 (glutamate dehydrogenase 1; minus strand), SHLD2 (shieldin complex subunit 2; plus strand), LOC130004255 (ATAC-STARR-seq lymphoblastoid silent region 2577; plus strand). Cytogenetic location: 10q23.2.
Variant type: single nucleotide variant.
Coding change: c.104G>A on transcript NM_005271.5 (MANE Select); coding-DNA position 104, G replaced by A.
Protein change: p.Gly35Glu; replaces glycine 35 with glutamic acid.
Molecular consequence: missense variant. On other transcripts: 5 prime UTR variant (3).
Genome position (GRCh38, 1-based): chr10:87,094,666, C>T on the plus strand (G>A on the coding strand, the complement: GLUD1 is on the minus strand). VCF-style: chr10-87094666-C-T. GRCh37 (hg19) VCF-style: chr10-88854423-C-T.
Other names: c.-625G>A (NM_001318904.2); c.-751G>A (NM_001318905.2); c.-458G>A (NM_001318906.2); short protein forms G35E.
Identifiers: ClinVar variation 301400 (VCV000301400.32), dbSNP rs552066337, ClinGen allele CA5587757.